The following is an entry in ClinVar:

ClinVar aggregate classification (germline): Pathogenic (1 of 4 stars; one submission).

Conditions:
Juvenile polyposis syndrome (JPS). Identifiers: Orphanet 2929, MedGen C0345893, MONDO:0017380, OMIM 174900.

Submission:

Myriad Genetics, Inc.
Classification: Pathogenic for Juvenile polyposis syndrome. Last evaluated: 2023-05-12. Review status: criteria provided, single submitter. Criteria: Myriad Autosomal Dominant, Autosomal Recessive and X-Linked Classification Criteria (2023). Collection method: clinical testing. Allele origin: unknown.
Comment: This variant is considered pathogenic. This variant creates a frameshift predicted to result in premature protein truncation.

NM_004329.3(BMPR1A):c.158dup (p.Asp54fs)

Gene: BMPR1A (bone morphogenetic protein receptor type 1A; plus strand). Cytogenetic location: 10q23.2.
Variant type: Duplication.
Coding change: c.158dup on transcript NM_004329.3 (MANE Select); coding-DNA position 158, one base duplicated (A; older notation c.158dupA).
Protein change: p.Asp54fs; shifts the reading frame from aspartic acid 54.
Molecular consequence: frameshift variant. On other transcripts: non-coding transcript variant (3).
Genome position (GRCh38, 1-based): chr10:86,890,152, A duplicated. VCF-style (leftmost placement, unchanged base first): chr10-86890151-G-GA. GRCh37 (hg19) VCF-style: chr10-88649908-G-GA.
Other names: c.158dup, p.Asp54fs (NM_001406576.1, NM_001406577.1, NM_001406578.1 and 23 more transcripts); c.74dup, p.Asp26fs (NM_001406584.1, NM_001406585.1, NM_001406586.1 and 2 more transcripts); short protein forms D26fs, D54fs.
Identifiers: ClinVar variation 2583821 (VCV002583821.2), dbSNP rs2539431847, ClinGen allele CA2582342701.
Genomic context (GRCh38, chr10:86,890,151, plus strand): 5'-ACTGGGATGAAATCAGACTCCGACCAGAAAAAGTCAGAAAATGGAGTAACCTTAGCACCA[G>GA]AGGATACCTTGCCTTTTTTAAAGTGCTATTGCTCAGGGCACTGTCCAGATGATGCTATTA-3'